The following is an entry in ClinVar:

ClinVar aggregate classification (germline): Pathogenic/Likely pathogenic. Review status: criteria provided, multiple submitters, no conflicts (2 of 4 stars). 2 submissions from 2 submitters: Pathogenic (1); Likely pathogenic (1). Last evaluated 2023-10-19.

Conditions:
Diencephalic-mesencephalic junction dysplasia syndrome 1 (DMJDS1). Also called: Microcephaly with spastic quadriplegia. Identifiers: MedGen C4538630, MONDO:0009625, OMIM 251280.

Allele frequency attached by ClinVar (database versions not stated): ExAC 0.00001; gnomAD exomes 0.00001.
gnomAD v4.1: 11 of 1,614,218 alleles (0.00068%); highest among the groups gnomAD compares: Non-Finnish European, 0.00093%; no homozygotes.

Submissions (2):

Department of Pathology and Laboratory Medicine, Sinai Health System
Classification: Likely pathogenic for Diencephalic-mesencephalic junction dysplasia syndrome 1. Last evaluated: 2023-10-19. Review status: criteria provided, single submitter. Criteria: ACMG Guidelines, 2015. Collection method: research. Allele origin: germline.

Labcorp Genetics (formerly Invitae), Labcorp
Classification: Pathogenic. Last evaluated: 2021-12-08. Review status: criteria provided, single submitter. Criteria: Invitae Variant Classification Sherloc (09022015). Collection method: clinical testing. Allele origin: germline.
Comment: This sequence change creates a premature translational stop signal (p.Ser383*) in the PCDH12 gene. It is expected to result in an absent or disrupted protein product. Loss-of-function variants in PCDH12 are known to be pathogenic (PMID: 27164683, 29556033). This variant is present in population databases (rs764897668, gnomAD 0.002%). This variant has not been reported in the literature in individuals affected with PCDH12-related conditions. For these reasons, this variant has been classified as Pathogenic.

Literature cited by the submitters: PubMed 27164683 (cited by Labcorp Genetics (formerly Invitae), Labcorp); PubMed 29556033 (cited by Labcorp Genetics (formerly Invitae), Labcorp).

NM_016580.4(PCDH12):c.1148C>G (p.Ser383Ter)

Genes: RNF14 (ring finger protein 14; plus strand), PCDH12 (protocadherin 12; minus strand). Cytogenetic location: 5q31.3.
Variant type: single nucleotide variant.
Coding change: c.1148C>G on transcript NM_016580.4 (MANE Select); coding-DNA position 1148, C replaced by G.
Protein change: p.Ser383Ter; replaces serine 383 with a stop codon.
Molecular consequence: nonsense.
Genome position (GRCh38, 1-based): chr5:141,956,704, G>C on the plus strand (C>G on the coding strand, the complement: PCDH12 is on the minus strand). VCF-style: chr5-141956704-G-C. GRCh37 (hg19) VCF-style: chr5-141336269-G-C.
Other names: short protein forms S383*.
Identifiers: ClinVar variation 1452242 (VCV001452242.7), dbSNP rs764897668, ClinGen allele CA3484452.